The following is an entry in ClinVar:

ClinVar aggregate classification (germline): Likely benign. Review status: criteria provided, multiple submitters, no conflicts (2 of 4 stars). 2 submissions from 2 submitters: Likely benign (2). Last evaluated 2026-08-01.

Conditions:
Congenital disorder of deglycosylation (CDDG). Identifiers: MedGen C3808991, MONDO:0031376.

Submissions (2):

CeGaT Center for Human Genetics Tuebingen
Classification: Likely benign. Last evaluated: 2026-08-01. Review status: criteria provided, single submitter. Criteria: CeGaT Center For Human Genetics Tuebingen Variant Classification Criteria Version 2. Collection method: clinical testing. Allele origin: germline. Affected: yes. Observed: 1 variant allele.
Comment: NGLY1: BP4, BP7

Labcorp Genetics (formerly Invitae), Labcorp
Classification: Likely benign for Congenital disorder of deglycosylation. Last evaluated: 2024-02-24. Review status: criteria provided, single submitter. Criteria: Invitae Variant Classification Sherloc (09022015). Collection method: clinical testing. Allele origin: germline.

NM_018297.4(NGLY1):c.45G>A (p.Pro15=)

Gene: NGLY1 (N-glycanase 1; minus strand). Cytogenetic location: 3p24.2.
Variant type: single nucleotide variant.
Coding change: c.45G>A on transcript NM_018297.4 (MANE Select); coding-DNA position 45, G replaced by A.
Protein change: p.Pro15=; no amino-acid change (proline 15 retained).
Molecular consequence: synonymous variant. On other transcripts: intron variant (1).
Genome position (GRCh38, 1-based): chr3:25,783,346, C>T on the plus strand (G>A on the coding strand, the complement: NGLY1 is on the minus strand). VCF-style: chr3-25783346-C-T. GRCh37 (hg19) VCF-style: chr3-25824837-C-T.
Other names: c.45G>A, p.Pro15= (NM_001145293.2, NM_001145295.2); c.6-4658G>A (NM_001145294.2).
Identifiers: ClinVar variation 1346362 (VCV001346362.7), dbSNP rs2125331626, ClinGen allele CA432848778.